The following is an entry in ClinVar:

ClinVar aggregate classification (germline): Uncertain significance (1 of 4 stars; one submission).

Conditions:
Pancreatic adenocarcinoma. Identifiers: MedGen C0281361, MONDO:0006047, HP:0006725.

Submission:

Labcorp Genetics (formerly Invitae), Labcorp
Classification: Uncertain significance for Pancreatic adenocarcinoma. Last evaluated: 2021-12-29. Review status: criteria provided, single submitter. Criteria: Invitae Variant Classification Sherloc (09022015). Collection method: clinical testing. Allele origin: germline.
Comment: This sequence change replaces lysine, which is basic and polar, with arginine, which is basic and polar, at codon 626 of the PALLD protein (p.Lys626Arg). This variant is not present in population databases (gnomAD no frequency). This variant has not been reported in the literature in individuals affected with PALLD-related conditions. Algorithms developed to predict the effect of missense changes on protein structure and function are either unavailable or do not agree on the potential impact of this missense change (SIFT: "Deleterious"; PolyPhen-2: "Benign"; Align-GVGD: "Class C0"). In summary, the available evidence is currently insufficient to determine the role of this variant in disease. Therefore, it has been classified as a Variant of Uncertain Significance.

NM_001166108.2(PALLD):c.*63A>G

Genes: CBR4 (carbonyl reductase 4; minus strand), PALLD (palladin, cytoskeletal associated protein; plus strand). Cytogenetic location: 4q32.3.
Variant type: single nucleotide variant.
Coding change: c.*63A>G on transcript NM_001166108.2 (MANE Select); 63 bases downstream of the stop codon, A replaced by G.
Molecular consequence: 3 prime UTR variant. On other transcripts: missense variant (4).
Genome position (GRCh38, 1-based): chr4:168,926,243, A>G. VCF-style: chr4-168926243-A-G. GRCh37 (hg19) VCF-style: chr4-169847394-A-G.
Other names: c.2192A>G, p.Lys731Arg (NM_001166109.2); c.1877A>G, p.Lys626Arg (NM_001166110.2); c.*63A>G (NM_001367567.1, NM_001367570.1, NM_016081.4); c.1268A>G, p.Lys423Arg (NM_001367568.1); c.1217A>G, p.Lys406Arg (NM_001367569.1); short protein forms K406R, K731R, K423R, K626R.
Identifiers: ClinVar variation 2064509 (VCV002064509.4), dbSNP rs2534295918, ClinGen allele CA358715696.
Genomic context (GRCh38, chr4:168,926,243, plus strand): 5'-AAAATCTTAATTTACTCTTTTTCTTTGTAGCCCAGTGGCATCAGCAGTCACAGAGCACCA[A>G]GCCAAAAAAAGTACGGCCCTCAGCCAGTCGCTATGCAGCACTTTCGGACCAGGGACTAGA-3'